The following is an entry in ClinVar:

ClinVar aggregate classification (germline): Uncertain significance (1 of 4 stars; one submission).

Submission:

GeneDx
Classification: Uncertain significance. Last evaluated: 2025-02-25. Review status: criteria provided, single submitter. Criteria: GeneDx Variant Classification Process June 2021. Collection method: clinical testing. Allele origin: germline. Affected: yes.
Comment: Not observed at significant frequency in large population cohorts (gnomAD); In silico analysis supports that this missense variant has a deleterious effect on protein structure/function; Has not been previously published as pathogenic or benign to our knowledge

NM_017636.4(TRPM4):c.580G>T (p.Val194Phe)

Gene: TRPM4 (transient receptor potential cation channel subfamily M member 4; plus strand). Cytogenetic location: 19q13.33.
Variant type: single nucleotide variant.
Coding change: c.580G>T on transcript NM_017636.4 (MANE Select); coding-DNA position 580, G replaced by T.
Protein change: p.Val194Phe; replaces valine 194 with phenylalanine.
Molecular consequence: missense variant. On other transcripts: 5 prime UTR variant (1), intron variant (2).
Genome position (GRCh38, 1-based): chr19:49,168,391, G>T. VCF-style: chr19-49168391-G-T. GRCh37 (hg19) VCF-style: chr19-49671648-G-T.
Other names: c.580G>T, p.Val194Phe (NM_001195227.2); c.-974G>T (NM_001321282.2); c.58G>T, p.Val20Phe (NM_001321283.2); c.268-162G>T (NM_001321281.2); c.-237-162G>T (NM_001321285.2); short protein forms V194F, V20F.
Identifiers: ClinVar variation 4076821 (VCV004076821.1).
Genomic context (GRCh38, chr19:49,168,391, plus strand): 5'-CAGATGGCCAGCACTGGGGGCACCAAGGTGGTGGCCATGGGTGTGGCCCCCTGGGGTGTG[G>T]TCCGGAATAGAGACACCCTCATCAACCCCAAGGTGTGACCCAGGGACTTGGAAAAGGGGG-3'
Protein context (NP_060106.2, residues 184-204): VAMGVAPWGV[Val194Phe]RNRDTLINPK